The following is an entry in ClinVar:

ClinVar aggregate classification (germline): Pathogenic (1 of 4 stars; one submission).

Conditions:
Leber congenital amaurosis 6 (LCA6). Identifiers: Orphanet 65, MedGen C1854260, MONDO:0013446, OMIM 613826.
Cone-rod dystrophy 13 (CORD13). Identifiers: Orphanet 1872, MedGen C2750720, MONDO:0011987, OMIM 608194.

Submission:

Labcorp Genetics (formerly Invitae), Labcorp
Classification: Pathogenic for Leber congenital amaurosis 6; Cone-rod dystrophy 13. Last evaluated: 2021-09-09. Review status: criteria provided, single submitter. Criteria: Invitae Variant Classification Sherloc (09022015). Collection method: clinical testing. Allele origin: germline.
Comment: This variant is a gross deletion of the genomic region encompassing exon(s) 2-17 of the RPGRIP1 gene. This deletion is out-of-frame, and is expected to create a premature termination codon and result in an absent or disrupted protein product. Loss-of-function variants in RPGRIP1 are known to be pathogenic (PMID: 11528500, 23105016). This variant has not been reported in the literature in individuals affected with RPGRIP1-related conditions. Experimental studies and prediction algorithms are not available or were not evaluated, and the functional significance of this variant is currently unknown. For these reasons, this variant has been classified as Pathogenic.

Literature cited by the submitters: PubMed 11528500; PubMed 23105016.

NC_000014.8:g.(?_21762816)_(21795986_?)del

Gene: RPGRIP1 (RPGR interacting protein 1; plus strand). Cytogenetic location: 14q11.2.
Variant type: Deletion.
Identifiers: ClinVar variation 2426542 (VCV002426542.3).